The following is an entry in ClinVar:

NM_144628.4(TBC1D20):c.874A>G (p.Ile292Val)

Gene: TBC1D20 (TBC1 domain family member 20; minus strand). Cytogenetic location: 20p13.
Variant type: single nucleotide variant.
Coding change: c.874A>G on transcript NM_144628.4 (MANE Select); coding-DNA position 874, A replaced by G.
Protein change: p.Ile292Val; replaces isoleucine 292 with valine.
Molecular consequence: missense variant. On other transcripts: non-coding transcript variant (1).
Genome position (GRCh38, 1-based): chr20:439,190, T>C on the plus strand (A>G on the coding strand, the complement: TBC1D20 is on the minus strand). VCF-style: chr20-439190-T-C. GRCh37 (hg19) VCF-style: chr20-419834-T-C.
Other names: short protein forms I292V.
Identifiers: ClinVar variation 1029160 (VCV001029160.1), dbSNP rs374330245, ClinGen allele CA407943572.

ClinVar aggregate classification (germline): Uncertain significance (1 of 4 stars; one submission).

Conditions:
Warburg micro syndrome 4 (WARBM4). Identifiers: Orphanet 2510, MedGen C3810265, MONDO:0014296, OMIM 615663.

Submission:

Baylor Genetics
Classification: Uncertain significance for Warburg micro syndrome 4. Last evaluated: 2019-08-01. Review status: criteria provided, single submitter. Criteria: ACMG Guidelines, 2015. Collection method: clinical testing. Allele origin: unknown. Affected: yes.
Comment: This variant was determined to be of uncertain significance according to ACMG Guidelines, 2015 [PMID:25741868].